The following is an entry in ClinVar:

NM_020245.5(TULP4):c.1610G>A (p.Ser537Asn)

Gene: TULP4 (TUB like protein 4; plus strand). Cytogenetic location: 6q25.3.
Variant type: single nucleotide variant.
Coding change: c.1610G>A on transcript NM_020245.5 (MANE Select); coding-DNA position 1610, G replaced by A.
Protein change: p.Ser537Asn; replaces serine 537 with asparagine.
Molecular consequence: missense variant.
Genome position (GRCh38, 1-based): chr6:158,489,711, G>A. VCF-style: chr6-158489711-G-A. GRCh37 (hg19) VCF-style: chr6-158910743-G-A.
Other names: c.1610G>A, p.Ser537Asn (NM_001007466.3); short protein forms S537N.
Identifiers: ClinVar variation 2657088 (VCV002657088.24), dbSNP rs61742077, ClinGen allele CA4072070.

ClinVar aggregate classification (germline): Likely benign (1 of 4 stars; one submission).

Allele frequency attached by ClinVar (database versions not stated): 1000 Genomes Project 0.00180; 1000 Genomes Project 30x 0.00187; TOPMed 0.00482; gnomAD 0.00497; ESP Exome Variant Server 0.00515; ExAC 0.00554; gnomAD exomes 0.00662.
gnomAD v4.1: 10,398 of 1,614,184 alleles (0.64%); highest among the groups gnomAD compares: Middle Eastern, 1.1%; 57 homozygotes.

Submission:

CeGaT Center for Human Genetics Tuebingen
Classification: Likely benign. Last evaluated: 2025-05-01. Review status: criteria provided, single submitter. Criteria: CeGaT Center For Human Genetics Tuebingen Variant Classification Criteria Version 2. Collection method: clinical testing. Allele origin: germline. Affected: yes. Observed: 3 variant alleles.
Comment: TULP4: BS2